The following is an entry in ClinVar:

NM_001048174.2(MUTYH):c.1402G>A (p.Val468Met)

Gene: MUTYH (mutY DNA glycosylase; minus strand). Cytogenetic location: 1p34.1.
Variant type: single nucleotide variant.
Coding change: c.1402G>A on transcript NM_001048174.2 (MANE Select); coding-DNA position 1402, G replaced by A.
Protein change: p.Val468Met; replaces valine 468 with methionine.
Molecular consequence: missense variant. On other transcripts: non-coding transcript variant (2).
Genome position (GRCh38, 1-based): chr1:45,330,548, C>T on the plus strand (G>A on the coding strand, the complement: MUTYH is on the minus strand). VCF-style: chr1-45330548-C-T. GRCh37 (hg19) VCF-style: chr1-45796220-C-T.
Other names: c.1402G>A, p.Val468Met (NM_001048171.2, NM_001048173.2, NM_001293195.2); c.1405G>A, p.Val469Met (NM_001048172.2); c.1486G>A, p.Val496Met (NM_001128425.2); c.1447G>A, p.Val483Met (NM_001293190.2); c.1435G>A, p.Val479Met (NM_001293191.2); c.1126G>A, p.Val376Met (NM_001293192.2, NM_001293196.2); c.1057G>A, p.Val353Met (NM_001350650.2, NM_001350651.2); c.1477G>A, p.Val493Met (NM_012222.3); short protein forms V496M, V482M, V376M, V483M, V353M, V469M, V479M, V493M.
Identifiers: ClinVar variation 140942 (VCV000140942.17), dbSNP rs587781385, ClinGen allele CA012933.

ClinVar aggregate classification (germline): Conflicting classifications of pathogenicity. Review status: criteria provided, conflicting classifications (1 of 4 stars). 3 submissions from 3 submitters: Uncertain significance (1); Benign (1). 1 of the submissions does not count toward it. Last evaluated 2025-12-26.

Conditions:
Hereditary cancer-predisposing syndrome. Also called: Neoplastic Syndromes, Hereditary; Hereditary Cancer Syndrome; Tumor predisposition; Hereditary neoplastic syndrome. Identifiers: Orphanet 140162, MedGen C0027672, MeSH D009386, MONDO:0015356.
Familial adenomatous polyposis 2. Also called: MUTYH-associated polyposis; MUTYH Polyposis; FAP type 2; Adenomas, multiple colorectal; COLORECTAL ADENOMATOUS POLYPOSIS, AUTOSOMAL RECESSIVE; ADENOMAS, MULTIPLE COLORECTAL, AUTOSOMAL RECESSIVE. Identifiers: Orphanet 220460, Orphanet 247798, MedGen C3272841, MONDO:0012041, OMIM 608456.

gnomAD v4.1: 1 of 1,609,036 alleles (0.000062%); no homozygotes.

Submissions (3):

Labcorp Genetics (formerly Invitae), Labcorp
Classification: Uncertain significance for Familial adenomatous polyposis 2. Last evaluated: 2025-12-26. Review status: criteria provided, single submitter. Criteria: Invitae Variant Classification Sherloc (09022015). Collection method: clinical testing. Allele origin: germline.
Comment: This sequence change replaces valine, which is neutral and non-polar, with methionine, which is neutral and non-polar, at codon 496 of the MUTYH protein (p.Val496Met). This variant is not present in population databases (gnomAD no frequency). This variant has not been reported in the literature in individuals affected with MUTYH-related conditions. ClinVar contains an entry for this variant (Variation ID: 140942). An algorithm developed to predict the effect of missense changes on protein structure and function outputs the following: PolyPhen-2: "Benign". The methionine amino acid residue is found in multiple mammalian species, which suggests that this missense change does not adversely affect protein function. In summary, the available evidence is currently insufficient to determine the role of this variant in disease. Therefore, it has been classified as a Variant of Uncertain Significance.

Ambry Genetics
Classification: Benign for Hereditary cancer-predisposing syndrome. Last evaluated: 2025-09-09. Review status: criteria provided, single submitter. Criteria: Ambry Variant Classification Scheme 2023. Collection method: clinical testing. Allele origin: germline.

Counsyl
Classification: Uncertain significance for Familial adenomatous polyposis 2. Last evaluated: 2015-12-13. Review status: no assertion criteria provided. Collection method: clinical testing. Allele origin: unknown. Not counted in ClinVar's aggregate classification.